The following is an entry in ClinVar:

NM_000492.4(CFTR):c.3688A>G (p.Ile1230Val)

Genes: CFTR (CF transmembrane conductance regulator; plus strand), CFTR-AS2 (CFTR antisense RNA 2; minus strand). Cytogenetic location: 7q31.2.
Variant type: single nucleotide variant.
Coding change: c.3688A>G on transcript NM_000492.4 (MANE Select); coding-DNA position 3688, A replaced by G.
Protein change: p.Ile1230Val; replaces isoleucine 1230 with valine.
Molecular consequence: missense variant.
Genome position (GRCh38, 1-based): chr7:117,627,741, A>G. VCF-style: chr7-117627741-A-G. GRCh37 (hg19) VCF-style: chr7-117267795-A-G.
Other names: p.Ile1230Val; short protein forms I1230V.
Identifiers: ClinVar variation 1733935 (VCV001733935.3), dbSNP rs954246847, ClinGen allele CA164976744.

ClinVar aggregate classification (germline): Uncertain significance. Review status: criteria provided, multiple submitters, no conflicts (2 of 4 stars). 2 submissions from 2 submitters: Uncertain significance (2). Last evaluated 2025-04-21.

Conditions:
Cystic fibrosis (CF). Also called: MUCOVISCIDOSIS. Identifiers: Orphanet 586, MedGen C0010674, MONDO:0009061, OMIM 219700. Disease mechanism: loss of function.

Allele frequency attached by ClinVar (database versions not stated): gnomAD exomes below 0.00001; TOPMed 0.00001.
gnomAD v4.1: 3 of 1,612,640 alleles (0.00019%); highest among the groups gnomAD compares: African/African-American, 0.0013%; no homozygotes.

Submissions (2):

Mayo Clinic Laboratories, Mayo Clinic
Classification: Uncertain significance. Last evaluated: 2025-04-21. Review status: criteria provided, single submitter. Criteria: ACMG Guidelines, 2015. Collection method: clinical testing. Allele origin: germline. Observed: 1 variant allele.
Comment: PM2_supporting

Ambry Genetics
Classification: Uncertain significance for Cystic fibrosis. Last evaluated: 2021-07-11. Review status: criteria provided, single submitter. Criteria: Ambry Variant Classification Scheme 2023. Collection method: clinical testing. Allele origin: germline.
Comment: The p.I1230V variant (also known as c.3688A>G), located in coding exon 22 of the CFTR gene, results from an A to G substitution at nucleotide position 3688. The isoleucine at codon 1230 is replaced by valine, an amino acid with highly similar properties. This amino acid position is conserved. In addition, the in silico prediction for this alteration is inconclusive. Since supporting evidence is limited at this time, the clinical significance of this alteration remains unclear.